The following is an entry in ClinVar:

ClinVar aggregate classification (germline): Uncertain significance (1 of 4 stars; one submission).

Conditions:
Multiple endocrine neoplasia, type 1 (MEN1). Also called: Endocrine adenomatosis multiple; MEN 1; MEA I; MEN I; WERMER SYNDROME. Identifiers: Orphanet 652, MedGen C0025267, MeSH D018761, MONDO:0007540, OMIM 131100.

Allele frequency attached by ClinVar (database versions not stated): gnomAD 0.00001.
gnomAD v4.1: 1 of 1,604,604 alleles (0.000062%); highest among the groups gnomAD compares: African/African-American, 0.0013%; no homozygotes.

Submission:

Labcorp Genetics (formerly Invitae), Labcorp
Classification: Uncertain significance for Multiple endocrine neoplasia, type 1. Last evaluated: 2022-01-25. Review status: criteria provided, single submitter. Criteria: Invitae Variant Classification Sherloc (09022015). Collection method: clinical testing. Allele origin: germline.
Comment: In summary, the available evidence is currently insufficient to determine the role of this variant in disease. Therefore, it has been classified as a Variant of Uncertain Significance. Advanced modeling of protein sequence and biophysical properties (such as structural, functional, and spatial information, amino acid conservation, physicochemical variation, residue mobility, and thermodynamic stability) performed at Invitae indicates that this missense variant is expected to disrupt MEN1 protein function. This variant has not been reported in the literature in individuals affected with MEN1-related conditions. The frequency data for this variant in the population databases is considered unreliable, as metrics indicate poor data quality at this position in the gnomAD database. This sequence change replaces proline, which is neutral and non-polar, with alanine, which is neutral and non-polar, at codon 79 of the MEN1 protein (p.Pro79Ala).

NM_001370259.2(MEN1):c.235C>G (p.Pro79Ala)

Gene: MEN1 (menin 1; minus strand). Cytogenetic location: 11q13.1.
Variant type: single nucleotide variant.
Coding change: c.235C>G on transcript NM_001370259.2 (MANE Select); coding-DNA position 235, C replaced by G.
Protein change: p.Pro79Ala; replaces proline 79 with alanine.
Molecular consequence: missense variant.
Genome position (GRCh38, 1-based): chr11:64,809,875, G>C on the plus strand (C>G on the coding strand, the complement: MEN1 is on the minus strand). VCF-style: chr11-64809875-G-C. GRCh37 (hg19) VCF-style: chr11-64577347-G-C.
Other names: c.235C>G, p.Pro79Ala (NM_000244.4, NM_001370251.2, NM_001370260.2 and 20 more transcripts); short protein forms P79A.
Identifiers: ClinVar variation 2089407 (VCV002089407.4), dbSNP rs1415414596, ClinGen allele CA381187588.